The following is an entry in ClinVar:

ClinVar aggregate classification (germline): Benign. Review status: criteria provided, multiple submitters, no conflicts (2 of 4 stars). 3 submissions from 3 submitters: Benign (3). Last evaluated 2021-06-20.

Conditions:
Vesicoureteral reflux 2 (VUR2). Identifiers: Orphanet 289365, MedGen C1970483, MONDO:0012573, OMIM 610878.

Allele frequency attached by ClinVar (database versions not stated): gnomAD 0.03320 and 0.03478; TOPMed 0.03636; 1000 Genomes Project 0.04113; 1000 Genomes Project 30x 0.04466.
gnomAD v4.1: 7,512 of 1,008,888 alleles (0.74%); highest among the groups gnomAD compares: African/African-American, 12%; 415 homozygotes.

Submissions (3):

GeneDx
Classification: Benign. Last evaluated: 2021-06-20. Review status: criteria provided, single submitter. Criteria: GeneDx Variant Classification Process June 2021. Collection method: clinical testing. Allele origin: germline. Affected: yes.

Illumina Laboratory Services, Illumina
Classification: Benign for Vesicoureteral reflux 2. Last evaluated: 2017-04-27. Review status: criteria provided, single submitter. Criteria: ICSL Variant Classification Criteria 13 December 2019. Collection method: clinical testing. Allele origin: germline.
Comment: This variant was observed as part of a predisposition screen in an ostensibly healthy population. A literature search was performed for the gene, cDNA change, and amino acid change (where applicable). No publications were found based on this search. Allele frequency data from public databases was too high to be consistent with this variant causing disease. Therefore, this variant is classified as benign.

Breakthrough Genomics
Classification: Benign. Review status: criteria provided, single submitter. Criteria: ACMG Guidelines, 2015. Collection method: not provided. Allele origin: germline. Inheritance: Autosomal dominant inheritance. Affected: yes.

NM_001395656.1(ROBO2):c.-404G>C

Gene: ROBO2 (roundabout guidance receptor 2; plus strand). Cytogenetic location: 3p12.3.
Variant type: single nucleotide variant.
Coding change: c.-404G>C on transcript NM_001395656.1 (MANE Select); 404 bases upstream of the start codon, G replaced by C.
Molecular consequence: 5 prime UTR variant. On other transcripts: intron variant (16).
Genome position (GRCh38, 1-based): chr3:77,040,382, G>C. VCF-style: chr3-77040382-G-C. GRCh37 (hg19) VCF-style: chr3-77089533-G-C.
Other names: c.-404G>C (NM_001290039.2, NM_001290040.2, NM_001378193.1 and 3 more transcripts); c.-2322G>C (NM_001290065.2); c.110-57632G>C (NM_001378191.1, NM_001378195.1, NM_001378196.1 and 5 more transcripts); c.131-57632G>C (NM_001394213.1, NM_001378192.1, NM_001378198.1 and 5 more transcripts).
Identifiers: ClinVar variation 346670 (VCV000346670.10), dbSNP rs79942150, ClinGen allele CA10619591.
Genomic context (GRCh38, chr3:77,040,382, plus strand): 5'-CCGGGGGAAAGAAAACCAGTAGGCAGGCCAATGGTTTTTCGGCAGCGCGCTGGCAAGTTT[G>C]TGGAACACTTTCTAGGAATTAGGTCTTTTCCTCCCCCTTCATCATCTTGACTTCTGAAGG-3'